The following is an entry in ClinVar:

ClinVar aggregate classification (germline): Uncertain significance. Review status: criteria provided, multiple submitters, no conflicts (2 of 4 stars). 2 submissions from 2 submitters: Uncertain significance (2). Last evaluated 2025-08-20.

Conditions:
Inborn genetic diseases. Identifiers: MedGen C0950123, MeSH D030342.

Allele frequency attached by ClinVar (database versions not stated): gnomAD exomes below 0.00001; TOPMed 0.00001; gnomAD 0.00002.
gnomAD v4.1: 4 of 1,613,970 alleles (0.00025%); highest among the groups gnomAD compares: African/African-American, 0.0053%; no homozygotes.

Submissions (2):

Ambry Genetics
Classification: Uncertain significance for Inborn genetic diseases. Last evaluated: 2025-08-20. Review status: criteria provided, single submitter. Criteria: Ambry Variant Classification Scheme 2023. Collection method: clinical testing. Allele origin: germline.

GeneDx
Classification: Uncertain significance. Last evaluated: 2021-06-11. Review status: criteria provided, single submitter. Criteria: GeneDx Variant Classification Process June 2021. Collection method: clinical testing. Allele origin: germline. Affected: yes.
Comment: In silico analysis supports that this missense variant does not alter protein structure/function; Has not been previously published as pathogenic or benign to our knowledge; This variant is associated with the following publications: (PMID: 27535533)

NM_198965.2(PTHLH):c.479A>C (p.Asp160Ala)

Gene: PTHLH (parathyroid hormone like hormone; minus strand). Cytogenetic location: 12p11.22.
Variant type: single nucleotide variant.
Coding change: c.479A>C on transcript NM_198965.2 (MANE Select); coding-DNA position 479, A replaced by C.
Protein change: p.Asp160Ala; replaces aspartic acid 160 with alanine.
Molecular consequence: missense variant.
Genome position (GRCh38, 1-based): chr12:27,963,393, T>G on the plus strand (A>C on the coding strand, the complement: PTHLH is on the minus strand). VCF-style: chr12-27963393-T-G. GRCh37 (hg19) VCF-style: chr12-28116326-T-G.
Other names: c.479A>C, p.Asp160Ala (NM_002820.3, NM_198964.2, NM_198966.2); short protein forms D160A.
Identifiers: ClinVar variation 1313420 (VCV001313420.3), dbSNP rs1415224923, ClinGen allele CA384338712.